The following is an entry in ClinVar:

NM_014141.6(CNTNAP2):c.1625G>A (p.Gly542Glu)

Gene: CNTNAP2 (contactin associated protein 2; plus strand). Cytogenetic location: 7q35.
Variant type: single nucleotide variant.
Coding change: c.1625G>A on transcript NM_014141.6 (MANE Select); coding-DNA position 1625, G replaced by A.
Protein change: p.Gly542Glu; replaces glycine 542 with glutamic acid.
Molecular consequence: missense variant.
Genome position (GRCh38, 1-based): chr7:147,395,735, G>A. VCF-style: chr7-147395735-G-A. GRCh37 (hg19) VCF-style: chr7-147092827-G-A.
Other names: c.1625G>A (NM_014141.5); short protein forms G542E.
Identifiers: ClinVar variation 1520731 (VCV001520731.9), dbSNP rs372532510, ClinGen allele CA4546126.

ClinVar aggregate classification (germline): Uncertain significance. Review status: criteria provided, multiple submitters, no conflicts (2 of 4 stars). 2 submissions from 2 submitters: Uncertain significance (2). Last evaluated 2024-04-08.

Conditions:
Inborn genetic diseases. Identifiers: MedGen C0950123, MeSH D030342.
Cortical dysplasia-focal epilepsy syndrome (PTHSL1). Also called: Pitt-Hopkins-like syndrome 1. Identifiers: Orphanet 163681, Orphanet 221150, MedGen C2750246, MONDO:0012400, OMIM 610042.

Allele frequency attached by ClinVar (database versions not stated): ExAC 0.00001; gnomAD exomes 0.00001 and 0.00002; TOPMed 0.00002; ESP Exome Variant Server 0.00008.
gnomAD v4.1: 23 of 1,612,510 alleles (0.0014%); highest among the groups gnomAD compares: East Asian, 0.0022%; no homozygotes.

Submissions (2):

Ambry Genetics
Classification: Uncertain significance for Inborn genetic diseases. Last evaluated: 2024-04-08. Review status: criteria provided, single submitter. Criteria: Ambry Variant Classification Scheme 2023. Collection method: clinical testing. Allele origin: germline.

Labcorp Genetics (formerly Invitae), Labcorp
Classification: Uncertain significance for Cortical dysplasia-focal epilepsy syndrome. Last evaluated: 2021-03-27. Review status: criteria provided, single submitter. Criteria: Invitae Variant Classification Sherloc (09022015). Collection method: clinical testing. Allele origin: germline.
Comment: This sequence change replaces glycine with glutamic acid at codon 542 of the CNTNAP2 protein (p.Gly542Glu). The glycine residue is moderately conserved and there is a moderate physicochemical difference between glycine and glutamic acid. This variant is present in population databases (rs372532510, ExAC 0.001%). This variant has not been reported in the literature in individuals with CNTNAP2-related conditions. Algorithms developed to predict the effect of missense changes on protein structure and function are either unavailable or do not agree on the potential impact of this missense change (SIFT: "Deleterious"; PolyPhen-2: "Probably Damaging"; Align-GVGD: "Class C0"). In summary, the available evidence is currently insufficient to determine the role of this variant in disease. Therefore, it has been classified as a Variant of Uncertain Significance.